The following is an entry in ClinVar:

ClinVar aggregate classification (germline): Likely benign. Review status: criteria provided, single submitter (1 of 4 stars). 2 submissions from 2 submitters: Likely benign (1). 1 of the submissions does not count toward it. Last evaluated 2025-02-08.

Conditions:
PCSK1-related disorder. Also called: PCSK1-related condition.

Allele frequency attached by ClinVar (database versions not stated): gnomAD 0.00007; gnomAD exomes 0.00008; ExAC 0.00009; TOPMed 0.00005; 1000 Genomes Project 0.00020; 1000 Genomes Project 30x 0.00031.
gnomAD v4.1: 136 of 1,613,694 alleles (0.0084%); highest among the groups gnomAD compares: South Asian, 0.12%; no homozygotes.

Submissions (2):

Labcorp Genetics (formerly Invitae), Labcorp
Classification: Likely benign. Last evaluated: 2025-02-08. Review status: criteria provided, single submitter. Criteria: Invitae Variant Classification Sherloc (09022015). Collection method: clinical testing. Allele origin: germline.

PreventionGenetics, part of Exact Sciences
Classification: Likely benign for PCSK1-related condition. Last evaluated: 2023-10-19. Review status: no assertion criteria provided. Collection method: clinical testing. Allele origin: germline. Not counted in ClinVar's aggregate classification.
Comment: This variant is classified as likely benign based on ACMG/AMP sequence variant interpretation guidelines (Richards et al. 2015 PMID: 25741868, with internal and published modifications).

NM_000439.5(PCSK1):c.1950C>T (p.Ser650=)

Genes: CAST (calpastatin; plus strand), PCSK1 (proprotein convertase subtilisin/kexin type 1; minus strand), LOC101929710 (uncharacterized LOC101929710; plus strand). Cytogenetic location: 5q15.
Variant type: single nucleotide variant.
Coding change: c.1950C>T on transcript NM_000439.5 (MANE Select); coding-DNA position 1950, C replaced by T.
Protein change: p.Ser650=; no amino-acid change (serine 650 retained).
Molecular consequence: synonymous variant. On other transcripts: intron variant (11).
Genome position (GRCh38, 1-based): chr5:96,393,313, G>A on the plus strand (C>T on the coding strand, the complement: PCSK1 is on the minus strand). VCF-style: chr5-96393313-G-A. GRCh37 (hg19) VCF-style: chr5-95729017-G-A.
Other names: c.1809C>T, p.Ser603= (NM_001177875.2); c.-175+13661G>A (NM_001423254.1, NM_001423259.1, NM_001423255.1 and 6 more transcripts); c.-103+13661G>A (NM_001423253.1); c.-40+13661G>A (NM_001423258.1).
Identifiers: ClinVar variation 3050656 (VCV003050656.2), dbSNP rs539013443, ClinGen allele CA3350081.